The following is an entry in ClinVar:

NM_013399.3(CDIP1):c.*103C>T

Gene: CDIP1 (cell death inducing p53 target 1; minus strand). Cytogenetic location: 16p13.3.
Variant type: single nucleotide variant.
Coding change: c.*103C>T on transcript NM_013399.3 (MANE Select); 103 bases downstream of the stop codon, C replaced by T.
Molecular consequence: 3 prime UTR variant.
Genome position (GRCh38, 1-based): chr16:4,512,469, G>A on the plus strand (C>T on the coding strand, the complement: CDIP1 is on the minus strand). VCF-style: chr16-4512469-G-A. GRCh37 (hg19) VCF-style: chr16-4562470-G-A.
Other names: c.*103C>T (NM_001199054.2, NM_001199055.2, NM_001199056.2).
Identifiers: ClinVar variation 2646148 (VCV002646148.24), dbSNP rs1861653, ClinGen allele CA7876929.

ClinVar aggregate classification (germline): Likely benign (1 of 4 stars; one submission).

Allele frequency attached by ClinVar (database versions not stated): 1000 Genomes Project 30x 0.00203; 1000 Genomes Project 0.00220; TOPMed 0.00347; gnomAD 0.00367; ExAC 0.01055.
gnomAD v4.1: 3,632 of 827,240 alleles (0.44%); highest among the groups gnomAD compares: Non-Finnish European, 0.55%; 7 homozygotes.

Submission:

CeGaT Center for Human Genetics Tuebingen
Classification: Likely benign. Last evaluated: 2022-12-01. Review status: criteria provided, single submitter. Criteria: CeGaT Center For Human Genetics Tuebingen Variant Classification Criteria Version 2. Collection method: clinical testing. Allele origin: germline. Affected: yes. Observed: 1 variant allele.
Comment: CDIP1: BS2